The following is an entry in ClinVar:

ClinVar aggregate classification (germline): Uncertain significance (1 of 4 stars; one submission).

Conditions:
Autosomal dominant polycystic kidney disease. Identifiers: Orphanet 730, MedGen C0085413, MONDO:0004691.

Allele frequency attached by ClinVar (database versions not stated): ExAC 0.00001; gnomAD exomes 0.00001; TOPMed 0.00003; ESP Exome Variant Server 0.00031.
gnomAD v4.1: 17 of 1,613,724 alleles (0.0011%); highest among the groups gnomAD compares: African/African-American, 0.0027%; no homozygotes.

Submission:

Labcorp Genetics (formerly Invitae), Labcorp
Classification: Uncertain significance for Autosomal dominant polycystic kidney disease. Last evaluated: 2026-01-12. Review status: criteria provided, single submitter. Criteria: Invitae Variant Classification Sherloc (09022015). Collection method: clinical testing. Allele origin: germline.
Comment: This sequence change replaces arginine, which is basic and polar, with histidine, which is basic and polar, at codon 896 of the PKD2 protein (p.Arg896His). This variant is present in population databases (rs143500495, gnomAD 0.003%). This variant has not been reported in the literature in individuals affected with PKD2-related conditions. ClinVar contains an entry for this variant (Variation ID: 2722055). Invitae Evidence Modeling of protein sequence and biophysical properties (such as structural, functional, and spatial information, amino acid conservation, physicochemical variation, residue mobility, and thermodynamic stability) indicates that this missense variant is not expected to disrupt PKD2 protein function with a negative predictive value of 80%. In summary, the available evidence is currently insufficient to determine the role of this variant in disease. Therefore, it has been classified as a Variant of Uncertain Significance.

NM_000297.4(PKD2):c.2687G>A (p.Arg896His)

Gene: PKD2 (polycystin 2, transient receptor potential cation channel; plus strand). Cytogenetic location: 4q22.1.
Variant type: single nucleotide variant.
Coding change: c.2687G>A on transcript NM_000297.4 (MANE Select); coding-DNA position 2687, G replaced by A.
Protein change: p.Arg896His; replaces arginine 896 with histidine.
Molecular consequence: missense variant. On other transcripts: non-coding transcript variant (1).
Genome position (GRCh38, 1-based): chr4:88,075,474, G>A. VCF-style: chr4-88075474-G-A. GRCh37 (hg19) VCF-style: chr4-88996626-G-A.
Other names: short protein forms R896H.
Identifiers: ClinVar variation 2722055 (VCV002722055.3), dbSNP rs143500495, ClinGen allele CA3004334.
Genomic context (GRCh38, chr4:88,075,474, plus strand): 5'-TTCCTTCTACTGCCCCCAACACCAGTTTCTTTTTCCCTTTTTAGGATGAAAGGCTGGGTC[G>A]TGACAGTGAAATCCATAGGGAACAGATGGAACGGCTAGTACGTGAAGAGTTGGAACGCTG-3'
Protein context (NP_000288.1, residues 886-906): DGVAEDERLG[Arg896His]DSEIHREQME